The following is an entry in ClinVar:

ClinVar aggregate classification (germline): Uncertain significance (1 of 4 stars; one submission).

Conditions:
Progressive sclerosing poliodystrophy (MTDPS4A). Also called: ALPERS PROGRESSIVE INFANTILE POLIODYSTROPHY; NEURONAL DEGENERATION OF CHILDHOOD WITH LIVER DISEASE, PROGRESSIVE; Alpers Syndrome; ALPERS DIFFUSE DEGENERATION OF CEREBRAL GRAY MATTER WITH HEPATIC CIRRHOSIS; Alpers-Huttenlocher Syndrome; Mitochondrial DNA depletion syndrome 4A (Alpers type). Identifiers: Orphanet 726, MedGen C0205710, MONDO:0008758, OMIM 203700.

gnomAD v4.1: 1 of 1,614,124 alleles (0.000062%); no homozygotes.

Submission:

Labcorp Genetics (formerly Invitae), Labcorp
Classification: Uncertain significance for Progressive sclerosing poliodystrophy. Last evaluated: 2024-08-05. Review status: criteria provided, single submitter. Criteria: Invitae Variant Classification Sherloc (09022015). Collection method: clinical testing. Allele origin: germline.
Comment: This sequence change replaces cysteine, which is neutral and slightly polar, with glycine, which is neutral and non-polar, at codon 1078 of the POLG protein (p.Cys1078Gly). This variant is not present in population databases (gnomAD no frequency). This variant has not been reported in the literature in individuals affected with POLG-related conditions. Advanced modeling of protein sequence and biophysical properties (such as structural, functional, and spatial information, amino acid conservation, physicochemical variation, residue mobility, and thermodynamic stability) performed at Invitae indicates that this missense variant is not expected to disrupt POLG protein function with a negative predictive value of 95%. In summary, the available evidence is currently insufficient to determine the role of this variant in disease. Therefore, it has been classified as a Variant of Uncertain Significance.

NM_002693.3(POLG):c.3232T>G (p.Cys1078Gly)

Gene: POLG (DNA polymerase gamma, catalytic subunit; minus strand). Cytogenetic location: 15q26.1.
Variant type: single nucleotide variant.
Coding change: c.3232T>G on transcript NM_002693.3 (MANE Select); coding-DNA position 3232, T replaced by G.
Protein change: p.Cys1078Gly; replaces cysteine 1078 with glycine.
Molecular consequence: missense variant.
Genome position (GRCh38, 1-based): chr15:89,318,972, A>C on the plus strand (T>G on the coding strand, the complement: POLG is on the minus strand). VCF-style: chr15-89318972-A-C. GRCh37 (hg19) VCF-style: chr15-89862203-A-C.
Other names: c.3232T>G, p.Cys1078Gly (NM_001126131.2); short protein forms C1078G.
Identifiers: ClinVar variation 3636631 (VCV003636631.2).